The following is an entry in ClinVar:

ClinVar aggregate classification (germline): Uncertain significance (1 of 4 stars; one submission).

Conditions:
Inborn genetic diseases. Identifiers: MedGen C0950123, MeSH D030342.

gnomAD v4.1: 1 of 1,604,998 alleles (0.000062%); highest among the groups gnomAD compares: Non-Finnish European, 0.000085%; no homozygotes.

Submission:

Ambry Genetics
Classification: Uncertain significance for Inborn genetic diseases. Last evaluated: 2025-06-03. Review status: criteria provided, single submitter. Criteria: Ambry Variant Classification Scheme 2023. Collection method: clinical testing. Allele origin: germline.
Comment: The p.R473S variant (also known as c.1417C>A), located in coding exon 16 of the RTEL1 gene, results from a C to A substitution at nucleotide position 1417. The arginine at codon 473 is replaced by serine, an amino acid with dissimilar properties. This amino acid position is conserved. In addition, this alteration is predicted to be deleterious by in silico analysis. Based on the available evidence, the clinical significance of this variant remains unclear.

NM_001283009.2(RTEL1):c.1417C>A (p.Arg473Ser)

Genes: RTEL1 (regulator of telomere elongation helicase 1; plus strand), RTEL1-TNFRSF6B (RTEL1-TNFRSF6B readthrough (NMD candidate); plus strand). Cytogenetic location: 20q13.33.
Variant type: single nucleotide variant.
Coding change: c.1417C>A on transcript NM_001283009.2 (MANE Select); coding-DNA position 1417, C replaced by A.
Protein change: p.Arg473Ser; replaces arginine 473 with serine.
Molecular consequence: missense variant. On other transcripts: non-coding transcript variant (1).
Genome position (GRCh38, 1-based): chr20:63,687,706, C>A. VCF-style: chr20-63687706-C-A. GRCh37 (hg19) VCF-style: chr20-62319059-C-A.
Other names: c.748C>A, p.Arg250Ser (NM_001283010.1); c.1417C>A, p.Arg473Ser (NM_016434.4); c.1489C>A, p.Arg497Ser (NM_032957.5); short protein forms R250S, R473S, R497S.
Identifiers: ClinVar variation 3948449 (VCV003948449.1).